The following is an entry in ClinVar:

NM_031892.3(SH3KBP1):c.1265C>T (p.Pro422Leu)

Gene: SH3KBP1 (SH3 domain containing kinase binding protein 1; minus strand). Cytogenetic location: Xp22.12.
Variant type: single nucleotide variant.
Coding change: c.1265C>T on transcript NM_031892.3 (MANE Select); coding-DNA position 1265, C replaced by T.
Protein change: p.Pro422Leu; replaces proline 422 with leucine.
Molecular consequence: missense variant.
Genome position (GRCh38, 1-based): chrX:19,588,676, G>A on the plus strand (C>T on the coding strand, the complement: SH3KBP1 is on the minus strand). VCF-style: chrX-19588676-G-A. GRCh37 (hg19) VCF-style: chrX-19606794-G-A.
Other names: c.1154C>T, p.Pro385Leu (NM_001024666.3); c.551C>T, p.Pro184Leu (NM_001184960.2, NM_001353897.2); c.1265C>T, p.Pro422Leu (NM_001353890.2); c.1340C>T, p.Pro447Leu (NM_001353891.2, NM_001353892.2); c.1163C>T, p.Pro388Leu (NM_001353893.2, NM_001353894.2); c.1220C>T, p.Pro407Leu (NM_001353895.2); c.1397C>T, p.Pro466Leu (NM_001410756.1, NM_001410757.1); c.1088C>T, p.Pro363Leu (NM_001410758.1); short protein forms P184L, P388L, P447L, P363L, P466L, P385L, P407L, P422L.
Identifiers: ClinVar variation 3018256 (VCV003018256.4), dbSNP rs767293120, ClinGen allele CA10364614.
Genomic context (GRCh38, chrX:19,588,676, plus strand): 5'-GCCCCGGAGGTGAGAGCACAGCAGTACCTGGTGTGTGTCAGCGGACCCACCGGTCTCTCC[G>A]GCCTTCTCGGGGGCAGTGCGCCAGGTCTGCTGAGAGAATTGGTCTTAGGTGGCCGAGGCT-3'
Protein context (NP_114098.1, residues 412-432): SRPGALPPRR[Pro422Leu]ERPVGPLTHT

ClinVar aggregate classification (germline): Uncertain significance. Review status: criteria provided, single submitter (1 of 4 stars). 2 submissions from 2 submitters: Uncertain significance (1). 1 of the submissions does not count toward it. Last evaluated 2025-05-13.

Conditions:
Laterality defects, autosomal dominant. Identifiers: Orphanet 450, MedGen C1832813, MONDO:0010991, OMIM 601086.

Allele frequency attached by ClinVar (database versions not stated): TOPMed 0.00005; gnomAD exomes 0.00001; ExAC 0.00008; gnomAD 0.00002.
gnomAD v4.1: 20 of 1,205,816 alleles (0.0017%); highest among the groups gnomAD compares: East Asian, 0.033%; no homozygotes.

Submissions (2):

Labcorp Genetics (formerly Invitae), Labcorp
Classification: Uncertain significance. Last evaluated: 2025-05-13. Review status: criteria provided, single submitter. Criteria: Invitae Variant Classification Sherloc (09022015). Collection method: clinical testing. Allele origin: germline.
Comment: This sequence change replaces proline, which is neutral and non-polar, with leucine, which is neutral and non-polar, at codon 422 of the SH3KBP1 protein (p.Pro422Leu). This variant is present in population databases (rs767293120, gnomAD 0.06%), and has an allele count higher than expected for a pathogenic variant. This variant has not been reported in the literature in individuals affected with SH3KBP1-related conditions. ClinVar contains an entry for this variant (Variation ID: 3018256). Invitae Evidence Modeling of protein sequence and biophysical properties (such as structural, functional, and spatial information, amino acid conservation, physicochemical variation, residue mobility, and thermodynamic stability) indicates that this missense variant is expected to disrupt SH3KBP1 protein function with a positive predictive value of 80%. In summary, the available evidence is currently insufficient to determine the role of this variant in disease. Therefore, it has been classified as a Variant of Uncertain Significance.

Shanghai Key Laboratory of Birth Defects, Children's Hospital of Fudan University
Classification: Uncertain significance for Laterality defects, autosomal dominant. Review status: no assertion criteria provided. Collection method: research. Allele origin: maternal. Affected: yes. Not counted in ClinVar's aggregate classification.